The following is an entry in ClinVar:

ClinVar aggregate classification (germline): Uncertain significance. Review status: criteria provided, multiple submitters, no conflicts (2 of 4 stars). 3 submissions from 3 submitters: Uncertain significance (3). Last evaluated 2024-11-11.

Conditions:
Age related macular degeneration 13. Identifiers: MedGen C3809523, MONDO:0014189, OMIM 615439.
Atypical hemolytic-uremic syndrome with I factor anomaly. Also called: HEMOLYTIC UREMIC SYNDROME, ATYPICAL, SUSCEPTIBILITY TO, 3; AHUS, SUSCEPTIBILITY TO, 3. Identifiers: Orphanet 2134, MedGen C2752039, MONDO:0013041, OMIM 612923.
Factor I deficiency (CFID). Also called: Complement factor I deficiency. Identifiers: Orphanet 200418, MedGen C3463916, MONDO:0012594, OMIM 610984.

Allele frequency attached by ClinVar (database versions not stated): TOPMed 0.00001; gnomAD 0.00002; 1000 Genomes Project 30x 0.00016; 1000 Genomes Project 0.00020.
gnomAD v4.1: 7 of 1,610,092 alleles (0.00043%); highest among the groups gnomAD compares: Admixed American, 0.01%; no homozygotes.

Submissions (3):

Labcorp Genetics (formerly Invitae), Labcorp
Classification: Uncertain significance. Last evaluated: 2024-11-11. Review status: criteria provided, single submitter. Criteria: Invitae Variant Classification Sherloc (09022015). Collection method: clinical testing. Allele origin: germline.
Comment: This sequence change disrupts the translational stop signal of the CFI mRNA. It is expected to extend the length of the CFI protein by 24 additional amino acid residues. This variant is present in population databases (rs184356649, gnomAD 0.02%). This variant has not been reported in the literature in individuals affected with CFI-related conditions. ClinVar contains an entry for this variant (Variation ID: 2413947). In summary, the available evidence is currently insufficient to determine the role of this variant in disease. Therefore, it has been classified as a Variant of Uncertain Significance.

Fulgent Genetics
Classification: Uncertain significance for Factor I deficiency; Atypical hemolytic-uremic syndrome with I factor anomaly; Age related macular degeneration 13. Last evaluated: 2024-05-21. Review status: criteria provided, single submitter. Criteria: ACMG Guidelines, 2015. Collection method: clinical testing. Allele origin: germline.

Blueprint Genetics
Classification: Uncertain significance. Last evaluated: 2022-03-01. Review status: criteria provided, single submitter. Criteria: ACMG Guidelines, 2015. Collection method: clinical testing. Allele origin: germline.

NM_000204.5(CFI):c.1750T>C (p.Ter584Gln)

Gene: CFI (complement factor I; minus strand). Cytogenetic location: 4q25.
Variant type: single nucleotide variant.
Coding change: c.1750T>C on transcript NM_000204.5 (MANE Select); coding-DNA position 1750, T replaced by C.
Protein change: p.Ter584Gln.
Molecular consequence: stop lost. On other transcripts: non-coding transcript variant (3), intron variant (5).
Genome position (GRCh38, 1-based): chr4:109,740,895, A>G on the plus strand (T>C on the coding strand, the complement: CFI is on the minus strand). VCF-style: chr4-109740895-A-G. GRCh37 (hg19) VCF-style: chr4-110662051-A-G.
Other names: c.1774T>C, p.Ter592Gln (NM_001318057.2); c.1729T>C, p.Ter577Gln (NM_001331035.2); c.1693T>C, p.Ter565Gln (NM_001375283.1); c.1141T>C, p.Ter381Gln (NM_001375284.1); c.1513+1596T>C (NM_001375282.1, NM_001375280.1); c.1534+1596T>C (NM_001375281.1, NM_001375279.1); c.1558+1596T>C (NM_001375278.1).
Identifiers: ClinVar variation 2413947 (VCV002413947.7), dbSNP rs184356649, ClinGen allele CA3041827.
Genomic context (GRCh38, chr4:109,740,895, plus strand): 5'-TTCCATTAAATGGAACTCTTGAGAGAAAAAGAATAGAATGAAGAGAGAGATCACAATTTT[A>G]TACATTGTACTGAGAAATAAAAGGCCTTCCTACATGGTAGCTAATCCAGTCAAAATAATT-3'